The following is an entry in ClinVar:

NM_003051.4(SLC16A1):c.74G>T (p.Gly25Val)

Gene: SLC16A1 (solute carrier family 16 member 1; minus strand). Cytogenetic location: 1p13.2.
Variant type: single nucleotide variant.
Coding change: c.74G>T on transcript NM_003051.4 (MANE Select); coding-DNA position 74, G replaced by T.
Protein change: p.Gly25Val; replaces glycine 25 with valine.
Molecular consequence: missense variant.
Genome position (GRCh38, 1-based): chr1:112,929,235, C>A on the plus strand (G>T on the coding strand, the complement: SLC16A1 is on the minus strand). VCF-style: chr1-112929235-C-A. GRCh37 (hg19) VCF-style: chr1-113471857-C-A.
Other names: p.Gly25Val; c.74G>T, p.Gly25Val (NM_001166496.2); short protein forms G25V.
Identifiers: ClinVar variation 3899393 (VCV003899393.1).
Genomic context (GRCh38, chr1:112,929,235, plus strand): 5'-TTGAAGAAGACAGTAATTGATTTGGGAAATGCATAAGAGAAGCCGATGGAAATGAAAGCT[C>A]CAATTACCACTGCCCAGCCCCAGCCTCCATCTGGGGGGGTGTATCCAACTGGACCTCCAA-3'
Protein context (NP_003042.3, residues 15-35): DGGWGWAVVI[Gly25Val]AFISIGFSYA

ClinVar aggregate classification (germline): Likely pathogenic (1 of 4 stars; one submission).

Conditions:
Ketoacidosis due to monocarboxylate transporter-1 deficiency. Also called: Monocarboxylate transporter 1 deficiency. Identifiers: Orphanet 438075, MedGen C4015186, MONDO:0014490, OMIM 616095.

Submission:

Department of Molecular Genetics, Istishari Arab Hospital
Classification: Likely pathogenic for Ketoacidosis due to monocarboxylate transporter-1 deficiency. Last evaluated: 2025-05-20. Review status: criteria provided, single submitter. Criteria: ACMG Guidelines, 2015. Collection method: clinical testing. Allele origin: inherited. Inheritance: Autosomal recessive inheritance. Affected: yes.
Comment: SLC16A1 p.Gly25Val variant is novel and in silico perdition tools support its possible pathogenicity which are further supported by CADD SNV score of 28 . Additionally, it is absent for our inhouse 3000 normal controls and from population databases, indicating a lack of commonality in the broader populations sense, which often correlates with pathogenic variants. The absence of this variant in diverse genetic backgrounds strengthens the hypothesis that it may be deleterious rather than benign alteration. . Alpha missense predicts that variant SLC16A1 p.Gly25Val is classified as likely pathogenic with a likelihood score of pathogenicity at 0.9562. (PP1,PM2).